The following is an entry in ClinVar:

NM_170675.5(MEIS2):c.1168G>C (p.Asp390His)

Gene: MEIS2 (Meis homeobox 2; minus strand). Cytogenetic location: 15q14.
Variant type: single nucleotide variant.
Coding change: c.1168G>C on transcript NM_170675.5 (MANE Select); coding-DNA position 1168, G replaced by C.
Protein change: p.Asp390His; replaces aspartic acid 390 with histidine.
Molecular consequence: missense variant. On other transcripts: 3 prime UTR variant (5), non-coding transcript variant (1).
Genome position (GRCh38, 1-based): chr15:36,892,439, C>G on the plus strand (G>C on the coding strand, the complement: MEIS2 is on the minus strand). VCF-style: chr15-36892439-C-G. GRCh37 (hg19) VCF-style: chr15-37184640-C-G.
Other names: c.1147G>C, p.Asp383His (NM_001220482.2, NM_170676.5); c.*58G>C (NM_002399.4, NM_170674.5, NM_170677.5 and 2 more transcripts); short protein forms D383H, D390H.
Identifiers: ClinVar variation 5005389 (VCV005005389.2).

ClinVar aggregate classification (germline): Uncertain significance (1 of 4 stars; one submission).

Conditions:
Cardiac malformation, cleft lip/palate, microcephaly, and digital anomalies. Also called: CLEFT PALATE, CARDIAC DEFECTS, AND IMPAIRED INTELLECTUAL DEVELOPMENT. Identifiers: MedGen C1832950, MONDO:0010970, OMIM 600987.

Submission:

Juno Genomics, Hangzhou Juno Genomics, Inc
Classification: Uncertain significance for Cardiac malformation, cleft lip/palate, microcephaly, and digital anomalies. Review status: criteria provided, single submitter. Criteria: ACMG Guidelines, 2015. Collection method: clinical testing. Allele origin: germline.
Comment: Absent from controls (or at extremely low frequency if recessive) in Genome Aggregation Database.;Missense variant in a gene that has a low rate of benign missense variation.